The following continues an entry in ClinVar:

NM_004360.5(CDH1):c.670C>T (p.Arg224Cys)

Gene: CDH1. ClinVar aggregate classification (germline): Likely benign. Likely benign (1).

Submissions 18 to 26 of 26:

Women's Health and Genetics/Laboratory Corporation of America, LabCorp
Classification: Benign. Last evaluated: 2019-05-30. Review status: criteria provided, single submitter. Criteria: LabCorp Variant Classification Summary - May 2015. Collection method: clinical testing. Allele origin: germline. Not counted in ClinVar's aggregate classification.
Comment: Variant summary: CDH1 c.670C>T (p.Arg224Cys) results in a non-conservative amino acid change located in the Cadherin domain of the encoded protein sequence. Three of five in-silico tools predict a benign effect of the variant on protein function. The variant allele was found at a frequency of 0.00018 in 251344 control chromosomes, predominantly at a frequency of 0.00027 within the Non-Finnish European subpopulation in the gnomAD database. The observed variant frequency within Non-Finnish European control individuals in the gnomAD database is approximately 9.5 fold of the estimated maximal expected allele frequency for a pathogenic variant in CDH1 causing Hereditary Diffuse Gastric Cancer phenotype (2.8e-05), strongly suggesting that the variant is a benign polymorphism found primarily in populations of Non-Finnish European origin (ACMG BS1). c.670C>T has been reported in the literature in individuals affected with Hereditary Diffuse Gastric Cancer, breast cancer, and colon cancer (Corso_2011, Harismendy_2013, Mouradov_2014, Yurgelun_2015). These report(s) do not provide unequivocal conclusions about association of the variant with Hereditary Diffuse Gastric Cancer. Co-occurrences with other pathogenic variant(s) have been reported at our laboratory (APC c.5582_5585delCTTT, p.Ser1861fsX1) as well as a co-occurence with a mutation in another gene (not explicitly specified) that clearly explains a proband's phenotype as mentioned in the supporting evidence shared by another submitting laboratory to the ClinVar database. These findings providing supporting evidence for a benign role (ACMG BP5). Cells expressing the p.Arg224Cys sequence variant maintained the ability to form compact aggregates at a similar level to that of the wild-type CDH1 expressing cells and retained capacity to prevent invasion in clear contrast to what was observed for mock cells; therefore, the c.670C>T (p.Arg224Cys) missense mutation does not impair E-cadherin induced cell adhesion and invasion in vitro (Corso_2011). However, an expert panel (ClinGen Hereditary Cancer) has reviewed the available literature and stated "none of the currently published in vitro and in vivo functional studies could be confidently used to predict pathogenicity of E-cadherin missense variants and therefore functional assays for missense alteration should not be used for CDH1 variant classificat" (Thompson_2018). Four clinical diagnostic laboratories and one expert panel (ClinGen Hereditary Cancer Panel) have submitted clinical-significance assessments for this variant to ClinVar after 2014 without evidence for independent evaluation. All labs classified the variant as likely benign while the expert panel classified the variant as VUS based on BS2 as the only criteria met by this variant. A follow-up with Dr. Xuo Li as the ClinGen CDH1 contact indicated that the committee was in agreement that a single BS code is sufficient to reach a likely benign classification, although it was not officially released at the time of this re-evaluation and a new version of the guideline was to be expected (personal correspondence, 05-14-19). Based on the evidence outlined above, we have utilized ACMG criteria BS2 (Expert Panel evidence) along with BS1 and BP5 (summarized above) and classified the variant as benign.

Mendelics
Classification: Likely benign for Hereditary diffuse gastric adenocarcinoma. Last evaluated: 2019-05-28. Review status: criteria provided, single submitter. Criteria: Mendelics Assertion Criteria 2017. Collection method: clinical testing. Allele origin: unknown. Not counted in ClinVar's aggregate classification.

Ambry Genetics
Classification: Likely benign for Hereditary cancer-predisposing syndrome. Last evaluated: 2018-08-28. Review status: criteria provided, single submitter. Criteria: Ambry Variant Classification Scheme 2023. Collection method: clinical testing. Allele origin: germline. Not counted in ClinVar's aggregate classification.

Color Diagnostics, LLC DBA Color Health
Classification: Likely benign for Hereditary cancer-predisposing syndrome. Last evaluated: 2016-02-22. Review status: criteria provided, single submitter. Criteria: ACMG Guidelines, 2015. Collection method: clinical testing. Allele origin: germline. Not counted in ClinVar's aggregate classification.

Paul Sabatier University EA-4555, Paul Sabatier University
Classification: Likely benign. Last evaluated: 2013-01-01. Review status: criteria provided, single submitter. Criteria: Chassaing et al. (Genome Res. 2016). Collection method: clinical testing. Allele origin: unknown. Affected: yes. Observed: 1 heterozygote. Not counted in ClinVar's aggregate classification.

PreventionGenetics, part of Exact Sciences
Classification: Likely benign for CDH1-related condition. Last evaluated: 2024-02-16. Review status: no assertion criteria provided. Collection method: clinical testing. Allele origin: germline. Not counted in ClinVar's aggregate classification.
Comment: This variant is classified as likely benign based on ACMG/AMP sequence variant interpretation guidelines (Richards et al. 2015 PMID: 25741868, with internal and published modifications).

Department of Pathology and Laboratory Medicine, Sinai Health System
Classification: Likely benign for Malignant tumor of breast. Review status: no assertion criteria provided. Collection method: clinical testing. Allele origin: unknown. Affected: yes. Observed: 1 variant allele. Study: The Canadian Open Genetics Repository (COGR). Not counted in ClinVar's aggregate classification.
Comment: The CDH1 p.Arg224Cys variant was identified in the literature however the frequency of this variant in an affected population was not provided (Corso 2011). The variant was also identified in dbSNP (ID: rs200310662) as â€šÃ„ÃºWith Likely benignâ€šÃ„Ã¹ and â€šÃ„ÃºUncertain significance alleleâ€šÃ„Ã¹, ClinVar (as likely benign by GeneDx, Invitae, Ambry Genetics, and Paul Sabatier University), Clinvitae (as likely benign), Cosmic (in large intestine and breast tissue), and LOVD 3.0 (1x as "effect unknown"). The variant was not identified in MutDB, Insight Colon Cancer Gene Variant Database, Zhejiang Colon Cancer Database. The variant was identified in control databases in 47 of 276620 chromosomes at a frequency of 0.00017 increasing the likelihood this could be a low frequency benign variant (Genome Aggregation Database Feb 27, 2017). Breakdown of the observations by population include African in 2 of 24024 chromosomes (freq: 0.000083), Latino in 1 of 34400 chromosomes (freq: 0.000029), European (Non-Finnish) in 35 of 126242 chromosomes (freq: 0.000277), European (Finnish) in 1 of 25758 chromosomes (freq: 0.000039), and South Asian in 8 of 30760 chromosomes (freq: 0.00026) while the variant was not observed in the Other, Ashkenazi Jewish, and East Asian populations. A functional analysis by Corso et al (2011) in which they compared the cell adhesion activity of the variant, they found the p.Arg224Cys expressing cells behaved in a similar manner to cells transduced with the wild-type CDH1. The study therefore concluded that the variant is non-pathogenic. In addition, the variant has been found in our lab to co-occur with a pathogenic BRCA1 variant c.135-1G>T, increasing the likelihood that the p.Arg224Cys variant does not have clinical significance. The p.Arg224Cys residue is not conserved in mammals and computational analyses (PolyPhen-2, SIFT, AlignGVGD, BLOSUM, MutationTaster) provide inconsistent predictions regarding the impact to the protein; this information is not very predictive of pathogenicity. The variant occurs outside of the splicing consensus sequence and in silico or computational prediction software programs (SpliceSiteFinder, MaxEntScan, NNSPLICE, GeneSplicer, HumanSpliceFinder) do not predict a difference in splicing. In summary, based on the above information the clinical significance of this variant cannot be determined with certainty at this time although we would lean towards a more benign role for this variant. This variant is classified as likely benign.

Genome Diagnostics Laboratory, Amsterdam University Medical Center
Classification: Likely benign. Review status: no assertion criteria provided. Collection method: clinical testing. Allele origin: germline. Affected: yes. Study: VKGL Data-share Consensus. Not counted in ClinVar's aggregate classification.

Joint Genome Diagnostic Labs from Nijmegen and Maastricht, Radboudumc and MUMC+
Classification: Likely benign. Review status: no assertion criteria provided. Collection method: clinical testing. Allele origin: germline. Affected: yes. Study: VKGL Data-share Consensus. Not counted in ClinVar's aggregate classification.

Literature cited by the submitters: PubMed 34471991 (cited by Quest Diagnostics Nichols Institute San Juan Capistrano); PubMed 27621404 (cited by Quest Diagnostics Nichols Institute San Juan Capistrano); PubMed 27582386 (cited by Quest Diagnostics Nichols Institute San Juan Capistrano and Women's Health and Genetics/Laboratory Corporation of America, LabCorp); PubMed 29577179 (cited by Quest Diagnostics Nichols Institute San Juan Capistrano and Ambry Genetics); PubMed 21106365 (cited by Quest Diagnostics Nichols Institute San Juan Capistrano and Women's Health and Genetics/Laboratory Corporation of America, LabCorp); PubMed 36436516 (cited by European Reference Network on Genetic Tumour Risk Syndromes (ERN-GENTURIS), i3s - Instituto de Investigação e Inovação em Saúde, University of Porto); PubMed 24326041 (cited by Women's Health and Genetics/Laboratory Corporation of America, LabCorp); PubMed 25980754 (cited by Women's Health and Genetics/Laboratory Corporation of America, LabCorp); PubMed 25231023 (cited by Women's Health and Genetics/Laboratory Corporation of America, LabCorp); PubMed 24755471 (cited by Women's Health and Genetics/Laboratory Corporation of America, LabCorp); PubMed 26893459 (cited by Women's Health and Genetics/Laboratory Corporation of America, LabCorp); PubMed 30311375 (cited by Women's Health and Genetics/Laboratory Corporation of America, LabCorp); PubMed 26182300 (cited by Ambry Genetics).